The following is an entry in ClinVar:

NM_014625.4(NPHS2):c.102A>G (p.Gly34=)

Gene: NPHS2 (NPHS2 stomatin family member, podocin; minus strand). Cytogenetic location: 1q25.2.
Variant type: single nucleotide variant.
Coding change: c.102A>G on transcript NM_014625.4 (MANE Select); coding-DNA position 102, A replaced by G.
Protein change: p.Gly34=; no amino-acid change (glycine 34 retained).
Molecular consequence: synonymous variant.
Genome position (GRCh38, 1-based): chr1:179,575,763, T>C on the plus strand (A>G on the coding strand, the complement: NPHS2 is on the minus strand). VCF-style: chr1-179575763-T-C. GRCh37 (hg19) VCF-style: chr1-179544898-T-C.
Other names: p.Gly34=; c.102A>G, p.Gly34= (NM_001297575.2).
Identifiers: ClinVar variation 260424 (VCV000260424.27), dbSNP rs1079292, ClinGen allele CA1267328.
Genomic context (GRCh38, chr1:179,575,763, plus strand): 5'-CGGGGTCCCCGCCCGTCCGGAGCCCGACGGCTCGGGCCCAGCCTCCTGGCGCCCGCGGCC[T>C]CCGCCGCTCCTCTCGGCCTTTGCCCTCTTGTTCTCCTTGTGCGGAGTCCTGCCGCCTCGC-3'
Protein context (NP_055440.1, residues 24-44): NKRAKAERSG[Gly34=]GRGRQEAGPE

ClinVar aggregate classification (germline): Benign. Review status: criteria provided, multiple submitters, no conflicts (2 of 4 stars). 14 submissions from 14 submitters: Benign (10). 4 of the submissions do not count toward it. Last evaluated 2026-02-04.

Conditions:
Nephrotic syndrome, type 2 (NPHS2). Also called: NEPHROTIC SYNDROME, STEROID-RESISTANT, AUTOSOMAL RECESSIVE. Identifiers: Orphanet 656, MedGen C1868672, MONDO:0010974, OMIM 600995.
Steroid-resistant nephrotic syndrome. Identifiers: MedGen C0403397, MONDO:0044765, HP:0012588.

Allele frequency attached by ClinVar (database versions not stated): 1000 Genomes Project 30x 0.92989; 1000 Genomes Project 0.93091; TOPMed 0.94239; gnomAD 0.94555 and 0.94725; ExAC 0.96157; ESP Exome Variant Server 0.96632; gnomAD exomes 0.97745 and 0.98735.
gnomAD v4.1: 1,471,105 of 1,496,666 alleles (98%); highest among the groups gnomAD compares: Non-Finnish European, 99%; 723,969 homozygotes.

Submissions (14):

Labcorp Genetics (formerly Invitae), Labcorp
Classification: Benign. Last evaluated: 2026-02-04. Review status: criteria provided, single submitter. Criteria: Invitae Variant Classification Sherloc (09022015). Collection method: clinical testing. Allele origin: germline.

Athena Diagnostics
Classification: Benign. Last evaluated: 2025-01-14. Review status: criteria provided, single submitter. Criteria: Athena Diagnostics Criteria. Collection method: clinical testing. Allele origin: unknown.
Comment: The frequency of this variant in the general population is higher than would generally be expected for pathogenic variants in this gene.

Blueprint Genetics
Classification: Benign. Last evaluated: 2024-11-26. Review status: criteria provided, single submitter. Criteria: ACMG Guidelines, 2015. Collection method: clinical testing. Allele origin: germline.

Unidad de Genómica Garrahan, Hospital de Pediatría Garrahan
Classification: Benign. Last evaluated: 2024-07-15. Review status: criteria provided, single submitter. Criteria: ACMG Guidelines, 2015. Collection method: clinical testing. Allele origin: germline. Affected: no. Observed: 88 variant alleles.
Comment: This variant is classified as Benign based on local population frequency. This variant was detected in 95% of patients studied in a panel designed for Epileptic and Developmental Encephalopathy and Progressive Myoclonus Epilepsy. Number of patients: 88. Only high quality variants are reported.

Mayo Clinic Laboratories, Mayo Clinic
Classification: Benign. Last evaluated: 2022-03-09. Review status: criteria provided, single submitter. Criteria: ACMG Guidelines, 2015. Collection method: clinical testing. Allele origin: germline. Observed: 148 variant alleles.

Genome-Nilou Lab
Classification: Benign for Nephrotic syndrome, type 2. Last evaluated: 2021-09-05. Review status: criteria provided, single submitter. Criteria: ACMG Guidelines, 2015. Collection method: clinical testing. Allele origin: germline. Affected: no.

GeneDx
Classification: Benign. Last evaluated: 2018-11-12. Review status: criteria provided, single submitter. Criteria: GeneDx Variant Classification Process June 2021. Collection method: clinical testing. Allele origin: germline. Affected: yes.

Illumina Laboratory Services, Illumina
Classification: Benign for Nephrotic syndrome, type 2. Last evaluated: 2018-01-13. Review status: criteria provided, single submitter. Criteria: ICSL Variant Classification Criteria 13 December 2019. Collection method: clinical testing. Allele origin: germline.
Comment: This variant was observed in the ICSL laboratory as part of a predisposition screen in an ostensibly healthy population. It had not been previously curated by ICSL or reported in the Human Gene Mutation Database (HGMD: prior to June 1st, 2018), and was therefore a candidate for classification through an automated scoring system. Utilizing variant allele frequency, disease prevalence and penetrance estimates, and inheritance mode, an automated score was calculated to assess if this variant is too frequent to cause the disease. Based on the score and internal cut-off values, a variant classified as benign is not then subjected to further curation. The score for this variant resulted in a classification of benign for this disease.

Breakthrough Genomics
Classification: Benign. Review status: criteria provided, single submitter. Criteria: ACMG Guidelines, 2015. Collection method: not provided. Allele origin: germline. Inheritance: Autosomal recessive inheritance. Affected: yes.

PreventionGenetics, part of Exact Sciences
Classification: Benign. Review status: criteria provided, single submitter. Criteria: ACMG Guidelines, 2015. Collection method: clinical testing. Allele origin: germline.

Natera, Inc.
Classification: Benign for Steroid-resistant nephrotic syndrome. Last evaluated: 2019-11-16. Review status: no assertion criteria provided. Collection method: clinical testing. Allele origin: germline. Not counted in ClinVar's aggregate classification.

Diagnostic Laboratory, Department of Genetics, University Medical Center Groningen
Classification: Benign for Nephrotic syndrome, type 2. Review status: no assertion criteria provided. Collection method: clinical testing. Allele origin: germline. Affected: yes. Study: VKGL Data-share Consensus. Not counted in ClinVar's aggregate classification.

Genome Diagnostics Laboratory, University Medical Center Utrecht
Classification: Benign. Review status: no assertion criteria provided. Collection method: clinical testing. Allele origin: germline. Affected: yes. Study: VKGL Data-share Consensus. Not counted in ClinVar's aggregate classification.

Joint Genome Diagnostic Labs from Nijmegen and Maastricht, Radboudumc and MUMC+
Classification: Benign. Review status: no assertion criteria provided. Collection method: clinical testing. Allele origin: germline. Affected: yes. Study: VKGL Data-share Consensus. Not counted in ClinVar's aggregate classification.